The following is an entry in ClinVar:

NM_004946.3(DOCK2):c.3174-8C>T

Gene: DOCK2 (dedicator of cytokinesis 2; plus strand). Cytogenetic location: 5q35.1.
Variant type: single nucleotide variant.
Coding change: c.3174-8C>T on transcript NM_004946.3 (MANE Select); 8 bases into the intron before coding-DNA position 3174, C replaced by T.
Molecular consequence: intron variant.
Genome position (GRCh38, 1-based): chr5:170,008,680, C>T. VCF-style: chr5-170008680-C-T. GRCh37 (hg19) VCF-style: chr5-169435684-C-T.
Identifiers: ClinVar variation 1119106 (VCV001119106.12), dbSNP rs749326729, ClinGen allele CA3554130.

ClinVar aggregate classification (germline): Conflicting classifications of pathogenicity. Review status: criteria provided, conflicting classifications (1 of 4 stars). 3 submissions from 3 submitters: Uncertain significance (1); Likely benign (2). Last evaluated 2025-01-19.

Conditions:
DOCK2 deficiency. Also called: Immunodeficiency 40. Identifiers: Orphanet 447737, MedGen C4225328, MONDO:0014637, OMIM 616433.

Allele frequency attached by ClinVar (database versions not stated): gnomAD exomes below 0.00001; TOPMed below 0.00001; gnomAD 0.00001; ExAC 0.00002.
gnomAD v4.1: 4 of 1,613,856 alleles (0.00025%); highest among the groups gnomAD compares: Non-Finnish European, 0.00025%; no homozygotes.

Submissions (3):

Labcorp Genetics (formerly Invitae), Labcorp
Classification: Likely benign for DOCK2 deficiency. Last evaluated: 2025-01-19. Review status: criteria provided, single submitter. Criteria: Invitae Variant Classification Sherloc (09022015). Collection method: clinical testing. Allele origin: germline.

Blueprint Genetics
Classification: Likely benign. Last evaluated: 2024-05-08. Review status: criteria provided, single submitter. Criteria: ACMG Guidelines, 2015. Collection method: clinical testing. Allele origin: germline.

Laboratorio de Genetica e Diagnostico Molecular, Hospital Israelita Albert Einstein
Classification: Uncertain significance. Last evaluated: 2019-11-26. Review status: criteria provided, single submitter. Criteria: ACMG Guidelines, 2015. Collection method: clinical testing. Allele origin: germline. Affected: yes.
Comment: ACMG classification criteria: PM2